The following is an entry in ClinVar:

ClinVar aggregate classification (germline): Uncertain significance (1 of 4 stars; one submission).

Conditions:
Ellis-van Creveld syndrome (EVC). Also called: Chondroectodermal dysplasia; EVC-Related Ellis-van Creveld Syndrome; EVC2-Related Ellis-van Creveld Syndrome; MESOECTODERMAL DYSPLASIA. Identifiers: Orphanet 289, MedGen C0013903, MONDO:0009162, OMIM 225500.
Curry-Hall syndrome (WAD). Also called: WEYERS ACRODENTAL DYSOSTOSIS. Identifiers: Orphanet 952, MedGen C0457013, MONDO:0008673, OMIM 193530.

gnomAD v4.1: 7 of 1,613,910 alleles (0.00043%); highest among the groups gnomAD compares: East Asian, 0.0089%; no homozygotes.

Submission:

Labcorp Genetics (formerly Invitae), Labcorp
Classification: Uncertain significance for Curry-Hall syndrome; Ellis-van Creveld syndrome. Last evaluated: 2022-04-22. Review status: criteria provided, single submitter. Criteria: Invitae Variant Classification Sherloc (09022015). Collection method: clinical testing. Allele origin: germline.
Comment: This sequence change replaces tyrosine, which is neutral and polar, with cysteine, which is neutral and slightly polar, at codon 780 of the EVC protein (p.Tyr780Cys). This variant is present in population databases (no rsID available, gnomAD 0.02%). This variant has not been reported in the literature in individuals affected with EVC-related conditions. Algorithms developed to predict the effect of missense changes on protein structure and function are either unavailable or do not agree on the potential impact of this missense change (SIFT: "Deleterious"; PolyPhen-2: "Probably Damaging"; Align-GVGD: "Class C0"). In summary, the available evidence is currently insufficient to determine the role of this variant in disease. Therefore, it has been classified as a Variant of Uncertain Significance.

NM_153717.3(EVC):c.2339A>G (p.Tyr780Cys)

Gene: EVC (EvC ciliary complex subunit 1; plus strand). Cytogenetic location: 4p16.2.
Variant type: single nucleotide variant.
Coding change: c.2339A>G on transcript NM_153717.3 (MANE Select); coding-DNA position 2339, A replaced by G.
Protein change: p.Tyr780Cys; replaces tyrosine 780 with cysteine.
Molecular consequence: missense variant.
Genome position (GRCh38, 1-based): chr4:5,801,984, A>G. VCF-style: chr4-5801984-A-G. GRCh37 (hg19) VCF-style: chr4-5803711-A-G.
Other names: c.2339A>G, p.Tyr780Cys (NM_001306090.2); short protein forms Y780C.
Identifiers: ClinVar variation 2147185 (VCV002147185.1), dbSNP rs773252806, ClinGen allele CA356146609.